The following is an entry in ClinVar:

ClinVar aggregate classification (germline): Conflicting classifications of pathogenicity. Review status: criteria provided, conflicting classifications (1 of 4 stars). 2 submissions from 2 submitters: Uncertain significance (1); Likely benign (1). Last evaluated 2025-02-22.

Allele frequency attached by ClinVar (database versions not stated): gnomAD 0.00002; ExAC 0.00004.
gnomAD v4.1: 47 of 1,613,754 alleles (0.0029%); highest among the groups gnomAD compares: Admixed American, 0.022%; no homozygotes.

Submissions (2):

Ambry Genetics
Classification: Likely benign. Last evaluated: 2025-02-22. Review status: criteria provided, single submitter. Criteria: Ambry Variant Classification Scheme 2023. Collection method: clinical testing. Allele origin: germline.

Labcorp Genetics (formerly Invitae), Labcorp
Classification: Uncertain significance. Last evaluated: 2022-08-09. Review status: criteria provided, single submitter. Criteria: Invitae Variant Classification Sherloc (09022015). Collection method: clinical testing. Allele origin: germline.
Comment: In summary, the available evidence is currently insufficient to determine the role of this variant in disease. Therefore, it has been classified as a Variant of Uncertain Significance. Algorithms developed to predict the effect of missense changes on protein structure and function output the following: SIFT: "Not Available"; PolyPhen-2: "Benign"; Align-GVGD: "Not Available". The leucine amino acid residue is found in multiple mammalian species, which suggests that this missense change does not adversely affect protein function. This variant has not been reported in the literature in individuals affected with PIK3C2A-related conditions. This variant is present in population databases (rs775520383, gnomAD 0.03%). This sequence change replaces serine, which is neutral and polar, with leucine, which is neutral and non-polar, at codon 313 of the PIK3C2A protein (p.Ser313Leu).

NM_002645.4(PIK3C2A):c.938C>T (p.Ser313Leu)

Gene: PIK3C2A (phosphatidylinositol-4-phosphate 3-kinase catalytic subunit type 2 alpha; minus strand). Cytogenetic location: 11p15.1.
Variant type: single nucleotide variant.
Coding change: c.938C>T on transcript NM_002645.4 (MANE Select); coding-DNA position 938, C replaced by T.
Protein change: p.Ser313Leu; replaces serine 313 with leucine.
Molecular consequence: missense variant. On other transcripts: intron variant (1).
Genome position (GRCh38, 1-based): chr11:17,168,804, G>A on the plus strand (C>T on the coding strand, the complement: PIK3C2A is on the minus strand). VCF-style: chr11-17168804-G-A. GRCh37 (hg19) VCF-style: chr11-17190351-G-A.
Other names: c.938C>T, p.Ser313Leu (NM_001321378.2, NM_001386870.1); c.-75-13175C>T (NM_001321380.2); c.938C>T (NM_002645.2); short protein forms S313L.
Identifiers: ClinVar variation 1934451 (VCV001934451.4), dbSNP rs775520383, ClinGen allele CA5901485.